The following is an entry in ClinVar:

ClinVar aggregate classification (germline): Likely pathogenic (1 of 4 stars; one submission).

Conditions:
Cardiac anomalies - developmental delay - facial dysmorphism syndrome (MRFACD). Also called: Impaired intellectual development and distinctive facial features with or without cardiac defects; MED13L Syndrome. Identifiers: Orphanet 369891, MedGen C5192431, MONDO:0014773, OMIM 616789.

Submission:

Institute of Immunology and Genetics Kaiserslautern
Classification: Likely pathogenic for Cardiac anomalies - developmental delay - facial dysmorphism syndrome. Last evaluated: 2024-09-20. Review status: criteria provided, single submitter. Criteria: ACMG Guidelines, 2015. Collection method: clinical testing. Allele origin: de novo. Affected: yes.
Comment: ACMG Criteria: PM2_P, PP3, PS2; Variant was found in heterozygous state. De novo-status was confirmed via in-house segregation analysis.

NM_015335.5(MED13L):c.347A>G (p.Tyr116Cys)

Gene: MED13L (mediator complex subunit 13L; minus strand). Cytogenetic location: 12q24.21.
Variant type: single nucleotide variant.
Coding change: c.347A>G on transcript NM_015335.5 (MANE Select); coding-DNA position 347, A replaced by G.
Protein change: p.Tyr116Cys; replaces tyrosine 116 with cysteine.
Molecular consequence: missense variant.
Genome position (GRCh38, 1-based): chr12:116,111,476, T>C on the plus strand (A>G on the coding strand, the complement: MED13L is on the minus strand). VCF-style: chr12-116111476-T-C. GRCh37 (hg19) VCF-style: chr12-116549281-T-C.
Other names: short protein forms Y116C.
Identifiers: ClinVar variation 3366964 (VCV003366964.1).